The following is an entry in ClinVar:

ClinVar aggregate classification (germline): Uncertain significance (1 of 4 stars; one submission).

Submission:

CeGaT Center for Human Genetics Tuebingen
Classification: Uncertain significance. Last evaluated: 2026-03-01. Review status: criteria provided, single submitter. Criteria: CeGaT Center For Human Genetics Tuebingen Variant Classification Criteria Version 2. Collection method: clinical testing. Allele origin: germline. Affected: yes. Observed: 1 variant allele.
Comment: MAST1: PM2

NM_014975.3(MAST1):c.1186A>G (p.Thr396Ala)

Gene: MAST1 (microtubule associated serine/threonine kinase 1; plus strand). Cytogenetic location: 19p13.13.
Variant type: single nucleotide variant.
Coding change: c.1186A>G on transcript NM_014975.3 (MANE Select); coding-DNA position 1186, A replaced by G.
Protein change: p.Thr396Ala; replaces threonine 396 with alanine.
Molecular consequence: missense variant.
Genome position (GRCh38, 1-based): chr19:12,858,559, A>G. VCF-style: chr19-12858559-A-G. GRCh37 (hg19) VCF-style: chr19-12969373-A-G.
Other names: short protein forms T396A.
Identifiers: ClinVar variation 4823597 (VCV004823597.4).
Genomic context (GRCh38, chr19:12,858,559, plus strand): 5'-TGACGGCCGGTCCTCGCTCTCTCCCCCTGCAGCGCTGTCTACCTGGTGCGGCACCGCGAC[A>G]CGCGGCAGCGCTTTGCCATGAAAAAGATCAACAAGCAGAACTTGATCCTCCGCAACCAGA-3'
Protein context (NP_055790.1, residues 386-406): GAVYLVRHRD[Thr396Ala]RQRFAMKKIN